The following is an entry in ClinVar:

NM_017654.4(SAMD9):c.4757T>C (p.Ile1586Thr)

Gene: SAMD9 (sterile alpha motif domain containing 9; minus strand). Cytogenetic location: 7q21.2.
Variant type: single nucleotide variant.
Coding change: c.4757T>C on transcript NM_017654.4 (MANE Select); coding-DNA position 4757, T replaced by C.
Protein change: p.Ile1586Thr; replaces isoleucine 1586 with threonine.
Molecular consequence: missense variant.
Genome position (GRCh38, 1-based): chr7:93,101,341, A>G on the plus strand (T>C on the coding strand, the complement: SAMD9 is on the minus strand). VCF-style: chr7-93101341-A-G. GRCh37 (hg19) VCF-style: chr7-92730654-A-G.
Other names: c.4757T>C, p.Ile1586Thr (NM_001193307.2); short protein forms I1586T.
Identifiers: ClinVar variation 1186789 (VCV001186789.3), dbSNP rs2116411576, ClinGen allele CA368175497.

ClinVar aggregate classification (germline): Uncertain significance. Review status: criteria provided, multiple submitters, no conflicts (2 of 4 stars). 2 submissions from 2 submitters: Uncertain significance (2). Last evaluated 2025-04-18.

Submissions (2):

Labcorp Genetics (formerly Invitae), Labcorp
Classification: Uncertain significance. Last evaluated: 2025-04-18. Review status: criteria provided, single submitter. Criteria: Invitae Variant Classification Sherloc (09022015). Collection method: clinical testing. Allele origin: germline.
Comment: This sequence change replaces isoleucine, which is neutral and non-polar, with threonine, which is neutral and polar, at codon 1586 of the SAMD9 protein (p.Ile1586Thr). This variant is not present in population databases (gnomAD no frequency). This variant has not been reported in the literature in individuals affected with SAMD9-related conditions. ClinVar contains an entry for this variant (Variation ID: 1186789). Invitae Evidence Modeling of protein sequence and biophysical properties (such as structural, functional, and spatial information, amino acid conservation, physicochemical variation, residue mobility, and thermodynamic stability) has been performed for this missense variant. However, the output from this modeling did not meet the statistical confidence thresholds required to predict the impact of this variant on SAMD9 protein function. In summary, the available evidence is currently insufficient to determine the role of this variant in disease. Therefore, it has been classified as a Variant of Uncertain Significance.

GeneDx
Classification: Uncertain significance. Last evaluated: 2019-06-27. Review status: criteria provided, single submitter. Criteria: GeneDx Variant Classification Process June 2021. Collection method: clinical testing. Allele origin: germline. Affected: yes.
Comment: Not observed in large population cohorts (Lek et al., 2016); In silico analysis, which includes protein predictors and evolutionary conservation, supports a deleterious effect; Has not been previously published as pathogenic or benign to our knowledge